The following is an entry in ClinVar:

NM_001999.4(FBN2):c.8120A>G (p.Asn2707Ser)

Gene: FBN2 (fibrillin 2; minus strand). Cytogenetic location: 5q23.3.
Variant type: single nucleotide variant.
Coding change: c.8120A>G on transcript NM_001999.4 (MANE Select); coding-DNA position 8120, A replaced by G.
Protein change: p.Asn2707Ser; replaces asparagine 2707 with serine.
Molecular consequence: missense variant.
Genome position (GRCh38, 1-based): chr5:128,263,497, T>C on the plus strand (A>G on the coding strand, the complement: FBN2 is on the minus strand). VCF-style: chr5-128263497-T-C. GRCh37 (hg19) VCF-style: chr5-127599189-T-C.
Other names: short protein forms N2707S.
Identifiers: ClinVar variation 663221 (VCV000663221.11), dbSNP rs1182788018, ClinGen allele CA360748456.

ClinVar aggregate classification (germline): Uncertain significance (1 of 4 stars; one submission).

Conditions:
Congenital contractural arachnodactyly (CCA). Also called: BEALS SYNDROME; Beals-Hecht syndrome; Arthrogryposis, distal, type 9. Identifiers: Orphanet 115, MedGen C0220668, MONDO:0007363, OMIM 121050.

Allele frequency attached by ClinVar (database versions not stated): gnomAD exomes below 0.00001; TOPMed below 0.00001.
gnomAD v4.1: 6 of 1,614,116 alleles (0.00037%); highest among the groups gnomAD compares: Non-Finnish European, 0.00051%; no homozygotes.

Submission:

Labcorp Genetics (formerly Invitae), Labcorp
Classification: Uncertain significance for Congenital contractural arachnodactyly. Last evaluated: 2019-01-26. Review status: criteria provided, single submitter. Criteria: Invitae Variant Classification Sherloc (09022015). Collection method: clinical testing. Allele origin: germline.
Comment: This sequence change replaces asparagine with serine at codon 2707 of the FBN2 protein (p.Asn2707Ser). The asparagine residue is highly conserved and there is a small physicochemical difference between asparagine and serine. This variant is not present in population databases (ExAC no frequency). This variant has not been reported in the literature in individuals with FBN2-related disease. Algorithms developed to predict the effect of missense changes on protein structure and function output the following: SIFT: "Tolerated"; PolyPhen-2: "Benign"; Align-GVGD: "Class C0". The serine amino acid residue is found in multiple mammalian species, suggesting that this missense change does not adversely affect protein function. These predictions have not been confirmed by published functional studies and their clinical significance is uncertain. In summary, the available evidence is currently insufficient to determine the role of this variant in disease. Therefore, it has been classified as a Variant of Uncertain Significance.